The following is an entry in ClinVar:

NM_001220.5(CAMK2B):c.393G>A (p.Gly131=)

Gene: CAMK2B (calcium/calmodulin dependent protein kinase II beta; minus strand). Cytogenetic location: 7p13.
Variant type: single nucleotide variant.
Coding change: c.393G>A on transcript NM_001220.5 (MANE Select); coding-DNA position 393, G replaced by A.
Protein change: p.Gly131=; no amino-acid change (glycine 131 retained).
Molecular consequence: synonymous variant.
Genome position (GRCh38, 1-based): chr7:44,247,141, C>T on the plus strand (G>A on the coding strand, the complement: CAMK2B is on the minus strand). VCF-style: chr7-44247141-C-T. GRCh37 (hg19) VCF-style: chr7-44286740-C-T.
Other names: c.393G>A, p.Gly131= (NM_001293170.2, NM_172078.3, NM_172079.3 and 5 more transcripts).
Identifiers: ClinVar variation 1660730 (VCV001660730.22), dbSNP rs766752712, ClinGen allele CA4240729.

ClinVar aggregate classification (germline): Likely benign. Review status: criteria provided, multiple submitters, no conflicts (2 of 4 stars). 2 submissions from 2 submitters: Likely benign (2). Last evaluated 2024-11-01.

Allele frequency attached by ClinVar (database versions not stated): gnomAD 0.00001; gnomAD exomes 0.00002 and 0.00006; ExAC 0.00006.

Submissions (2):

CeGaT Center for Human Genetics Tuebingen
Classification: Likely benign. Last evaluated: 2024-11-01. Review status: criteria provided, single submitter. Criteria: CeGaT Center For Human Genetics Tuebingen Variant Classification Criteria Version 2. Collection method: clinical testing. Allele origin: germline. Affected: yes. Observed: 1 variant allele.
Comment: CAMK2B: BP4, BP7

Labcorp Genetics (formerly Invitae), Labcorp
Classification: Likely benign. Last evaluated: 2023-02-18. Review status: criteria provided, single submitter. Criteria: Invitae Variant Classification Sherloc (09022015). Collection method: clinical testing. Allele origin: germline.